The following is an entry in ClinVar:

NM_003410.4(ZFX):c.356C>T (p.Ala119Val)

Gene: ZFX (zinc finger protein X-linked; plus strand). Cytogenetic location: Xp22.11.
Variant type: single nucleotide variant.
Coding change: c.356C>T on transcript NM_003410.4 (MANE Select); coding-DNA position 356, C replaced by T.
Protein change: p.Ala119Val; replaces alanine 119 with valine.
Molecular consequence: missense variant. On other transcripts: intron variant (1).
Genome position (GRCh38, 1-based): chrX:24,179,480, C>T. VCF-style: chrX-24179480-C-T. GRCh37 (hg19) VCF-style: chrX-24197597-C-T.
Other names: c.356C>T, p.Ala119Val (NM_001178084.2, NM_001178085.1, NM_001178095.2); c.473C>T, p.Ala158Val (NM_001330327.2); c.-41-27846C>T (NM_001178086.2); short protein forms A119V, A158V.
Identifiers: ClinVar variation 4532184 (VCV004532184.1).
Genomic context (GRCh38, chrX:24,179,480, plus strand): 5'-ACTCAGATGTAACTGAAGAAGTTTCTTTAGCACATTGCACAGTCCCAGATGATGTTTTAG[C>T]TTCTGACATTACTTCAGCCTCAATGTCTATGCCAGAACACGTCTTGACGGGTGATTCTAT-3'
Protein context (NP_003401.2, residues 109-129): AHCTVPDDVL[Ala119Val]SDITSASMSM

ClinVar aggregate classification (germline): Uncertain significance (1 of 4 stars; one submission).

Conditions:
Intellectual developmental disorder, X-linked, syndromic 37. Identifiers: MedGen C5935567, MONDO:0958322, OMIM 301118.

gnomAD v4.1: 2 of 1,212,205 alleles (0.00016%); highest among the groups gnomAD compares: Non-Finnish European, 0.00022%; no homozygotes.

Submission:

Victorian Clinical Genetics Services, Murdoch Childrens Research Institute
Classification: Uncertain significance for Intellectual developmental disorder, X-linked, syndromic 37. Last evaluated: 2025-04-30. Review status: criteria provided, single submitter. Criteria: ACMG Guidelines, 2015. Collection method: clinical testing. Allele origin: germline. Affected: yes.
Comment: This variant is classified as VUS-3B. Evidence in support of pathogenic classification: Variant is present in gnomAD <0.01 (v4: 2 heterozygote(s), 0 homozygote(s)). Evidence in support of benign classification: Missense variant predicted to be tolerated by in silico tool(s) or not conserved in placental mammals with a minor amino acid change. Additional information: Variant is predicted to result in a missense amino acid change from alanine to valine; This variant is hemizygous; This gene is associated with X-linked disease; This variant has no previous evidence of pathogenicity; No published segregation evidence has been identified for this variant; No published functional evidence has been identified for this variant; No comparable missense variants have previous evidence for pathogenicity; Variant is located in the annotated Zfx/Zfy transcription activation region (DECIPHER); The mechanism of disease for this gene is not clearly established. The same missense variants were observed to have both loss of function and gain of function effects so it is unclear which mechanism is responsible for disease. These variants had reduced DNA binding and expression across a number of genes normally targeted by this transcription factor, and also increased binding to and expression of some genes not affected by wild type ZFX (PMID: 38325380).

Literature cited by the submitters: PubMed 38325380.